The following is an entry in ClinVar:

ClinVar aggregate classification (germline): Uncertain significance (1 of 4 stars; one submission).

Conditions:
Gastrointestinal stromal tumor. Also called: Gastrointestinal stroma tumor; Gastrointestinal stromal tumor, somatic. Identifiers: Orphanet 44890, MedGen C0238198, MeSH D046152, MONDO:0011719, OMIM 606764, HP:0100723.

Submission:

Labcorp Genetics (formerly Invitae), Labcorp
Classification: Uncertain significance for Gastrointestinal stromal tumor. Last evaluated: 2022-03-08. Review status: criteria provided, single submitter. Criteria: Invitae Variant Classification Sherloc (09022015). Collection method: clinical testing. Allele origin: germline.
Comment: Experimental studies and prediction algorithms are not available or were not evaluated, and the functional significance of this variant is currently unknown. This variant has not been reported in the literature in individuals affected with PDGFRA-related conditions. This variant is not present in population databases (gnomAD no frequency). This sequence change creates a premature translational stop signal (p.Glu1063Glyfs*5) in the PDGFRA gene. While this is not anticipated to result in nonsense mediated decay, it is expected to disrupt the last 27 amino acid(s) of the PDGFRA protein. In summary, the available evidence is currently insufficient to determine the role of this variant in disease. Therefore, it has been classified as a Variant of Uncertain Significance.

NM_006206.6(PDGFRA):c.3188_3189del (p.Glu1063fs)

Gene: PDGFRA (platelet derived growth factor receptor alpha; plus strand). Cytogenetic location: 4q12.
Variant type: Microsatellite.
Coding change: c.3188_3189del on transcript NM_006206.6 (MANE Select); coding-DNA positions 3188 to 3189, 2 bases deleted (AG; older notation c.3188_3189delAG).
Protein change: p.Glu1063fs; shifts the reading frame from glutamic acid 1063.
Molecular consequence: frameshift variant.
Genome position (GRCh38, 1-based): chr4:54,295,190-54,295,191, AG deleted; deleting any 2 consecutive bases within chr4:54,295,184-54,295,191 gives the same sequence; the c. name uses the placement nearest the transcript's 3' end. VCF-style (leftmost placement, unchanged base first): chr4-54295183-AAG-A. GRCh37 (hg19) VCF-style: chr4-55161350-AAG-A.
Other names: c.3263_3264del, p.Glu1088fs (NM_001347828.2); c.3188_3189del, p.Glu1063fs (NM_001347829.2); c.3227_3228del, p.Glu1076fs (NM_001347830.2); short protein forms E1063fs, E1076fs, E1088fs.
Identifiers: ClinVar variation 1390822 (VCV001390822.8), dbSNP rs2110358699, ClinGen allele CA2580616127.